The following is an entry in ClinVar:

ClinVar aggregate classification (germline): Uncertain significance (1 of 4 stars; one submission).

Conditions:
KBG syndrome (KBGS). Also called: ANKRD11-Related KBG Syndrome. Identifiers: Orphanet 2332, MedGen C0220687, MONDO:0007846, OMIM 148050.

Allele frequency attached by ClinVar (database versions not stated): gnomAD exomes below 0.00001.
gnomAD v4.1: 4 of 1,613,964 alleles (0.00025%); highest among the groups gnomAD compares: Non-Finnish European, 0.00034%; no homozygotes.

Submission:

Labcorp Genetics (formerly Invitae), Labcorp
Classification: Uncertain significance for KBG syndrome. Last evaluated: 2024-10-24. Review status: criteria provided, single submitter. Criteria: Invitae Variant Classification Sherloc (09022015). Collection method: clinical testing. Allele origin: germline.
Comment: This sequence change replaces arginine, which is basic and polar, with glutamine, which is neutral and polar, at codon 1600 of the ANKRD11 protein (p.Arg1600Gln). This variant is not present in population databases (gnomAD no frequency). This variant has not been reported in the literature in individuals affected with ANKRD11-related conditions. Invitae Evidence Modeling of protein sequence and biophysical properties (such as structural, functional, and spatial information, amino acid conservation, physicochemical variation, residue mobility, and thermodynamic stability) has been performed for this missense variant. However, the output from this modeling did not meet the statistical confidence thresholds required to predict the impact of this variant on ANKRD11 protein function. In summary, the available evidence is currently insufficient to determine the role of this variant in disease. Therefore, it has been classified as a Variant of Uncertain Significance.

NM_013275.6(ANKRD11):c.4799G>A (p.Arg1600Gln)

Gene: ANKRD11 (ankyrin repeat domain 11; minus strand). Cytogenetic location: 16q24.3.
Variant type: single nucleotide variant.
Coding change: c.4799G>A on transcript NM_013275.6 (MANE Select); coding-DNA position 4799, G replaced by A.
Protein change: p.Arg1600Gln; replaces arginine 1600 with glutamine.
Molecular consequence: missense variant.
Genome position (GRCh38, 1-based): chr16:89,281,743, C>T on the plus strand (G>A on the coding strand, the complement: ANKRD11 is on the minus strand). VCF-style: chr16-89281743-C-T. GRCh37 (hg19) VCF-style: chr16-89348151-C-T.
Other names: c.4799G>A, p.Arg1600Gln (NM_001256182.2, NM_001256183.2); short protein forms R1600Q.
Identifiers: ClinVar variation 2750541 (VCV002750541.3), dbSNP rs891050032, ClinGen allele CA286515353.